The following is an entry in ClinVar:

NM_024753.5(TTC21B):c.853G>A (p.Ala285Thr)

Gene: TTC21B (tetratricopeptide repeat domain 21B; minus strand). Cytogenetic location: 2q24.3.
Variant type: single nucleotide variant.
Coding change: c.853G>A on transcript NM_024753.5 (MANE Select); coding-DNA position 853, G replaced by A.
Protein change: p.Ala285Thr; replaces alanine 285 with threonine.
Molecular consequence: missense variant.
Genome position (GRCh38, 1-based): chr2:165,931,799, C>T on the plus strand (G>A on the coding strand, the complement: TTC21B is on the minus strand). VCF-style: chr2-165931799-C-T. GRCh37 (hg19) VCF-style: chr2-166788309-C-T.
Other names: short protein forms A285T.
Identifiers: ClinVar variation 4983876 (VCV004983876.1).

ClinVar aggregate classification (germline): Uncertain significance (1 of 4 stars; one submission).

Conditions:
TTC21B-related disorder. Also called: TTC21B-related disorders; TTC21B-related condition.

Submission:

PreventionGenetics, part of Exact Sciences
Classification: Uncertain significance for TTC21B-related condition. Last evaluated: 2025-09-03. Review status: criteria provided, single submitter. Criteria: ACMG Guidelines, 2015. Collection method: clinical testing. Allele origin: germline.
Comment: The TTC21B c.853G>A variant is predicted to result in the amino acid substitution p.Ala285Thr. To our knowledge, this variant has not been reported in the literature or in a large population database (gnomAD), indicating this variant is rare. At this time, the clinical significance of this variant is uncertain due to the absence of conclusive functional and genetic evidence.